The following is an entry in ClinVar:

ClinVar aggregate classification (germline): Pathogenic (1 of 4 stars; one submission).

Conditions:
Angelman syndrome-like. Identifiers: MedGen CN128785.
Developmental and epileptic encephalopathy, 2 (DEE2). Also called: INFANTILE SPASM SYNDROME, X-LINKED 2; CDKL5 deficiency disorder. Identifiers: Orphanet 1934, Orphanet 3451, Orphanet 505652, MedGen C4750718, MONDO:0010396, OMIM 300672.

Submission:

Labcorp Genetics (formerly Invitae), Labcorp
Classification: Pathogenic for Developmental and epileptic encephalopathy, 2; Angelman syndrome-like. Last evaluated: 2022-05-19. Review status: criteria provided, single submitter. Criteria: Invitae Variant Classification Sherloc (09022015). Collection method: clinical testing. Allele origin: unknown.
Comment: For these reasons, this variant has been classified as Pathogenic. The region of the CDKL5 gene that includes exon(s) 10 has been determined to be clinically significant (PMID: 22867051). Therefore, deletions that encompass that region are likely to be disease-causing. A similar copy number variant has been observed in individual(s) with CDKL5-related conditions (PMID: 33436160). This variant is a gross deletion of the genomic region encompassing exon(s) 5-21 of the CDKL5 gene, which includes the termination codon. This deletion extends beyond the assayed region for this gene and therefore may encompass additional genes. While this deletion is not anticipated to lead to nonsense mediated decay, it is expected to alter mRNA translation or result in a truncated protein product.

Literature cited by the submitters: PubMed 22867051; PubMed 33436160.

NC_000023.10:g.(?_18593454)_(18690188_?)del

Genes: CDKL5 (cyclin dependent kinase like 5; plus strand), RS1 (retinoschisin 1; minus strand). Cytogenetic location: Xp22.13.
Variant type: Deletion.
Identifiers: ClinVar variation 3244304 (VCV003244304.1).